The following is an entry in ClinVar:

ClinVar aggregate classification (germline): Likely pathogenic (1 of 4 stars; one submission).

Conditions:
Landau-Kleffner syndrome (FESD). Also called: EPILEPSY, FOCAL, WITH SPEECH DISORDER AND WITH OR WITHOUT MENTAL RETARDATION; APHASIA, ACQUIRED, WITH EPILEPSY. Identifiers: Orphanet 1945, Orphanet 725, Orphanet 98818, MedGen C0282512, MONDO:0009509, OMIM 245570.

Submission:

Labcorp Genetics (formerly Invitae), Labcorp
Classification: Likely pathogenic for Landau-Kleffner syndrome. Last evaluated: 2023-11-03. Review status: criteria provided, single submitter. Criteria: Invitae Variant Classification Sherloc (09022015). Collection method: clinical testing. Allele origin: unknown.
Comment: This variant results in a copy number gain of the genomic region encompassing exon(s) 4-6 of the GRIN2A gene. While the exact position of this variant cannot be determined from the data, sub-genic copy number gains are generally in tandem (PMID: 25640679). This variant is predicted to be out-of-frame, and may result in an absent or disrupted protein product. Loss-of-function variants in GRIN2A are known to be pathogenic (PMID: 23933819, 23933820). This variant has not been reported in the literature in individuals affected with GRIN2A-related conditions. In summary, the currently available evidence indicates that the variant is pathogenic, but additional data are needed to prove that conclusively. Therefore, this variant has been classified as Likely Pathogenic.

Literature cited by the submitters: PubMed 25640679; PubMed 23933819; PubMed 23933820.

NC_000016.9:g.(?_9943593)_(10032428_?)dup

Gene: GRIN2A (glutamate ionotropic receptor NMDA type subunit 2A; minus strand). Cytogenetic location: 16p13.2.
Variant type: Duplication.
Identifiers: ClinVar variation 3243418 (VCV003243418.1).